The following is an entry in ClinVar:

ClinVar aggregate classification (germline): Uncertain significance (1 of 4 stars; one submission).

Submission:

GeneDx
Classification: Uncertain significance. Last evaluated: 2026-04-06. Review status: criteria provided, single submitter. Criteria: GeneDx Variant Classification Process June 2021. Collection method: clinical testing. Allele origin: germline.
Comment: Not observed at significant frequency in large population cohorts (gnomAD); In silico analysis suggests that this missense variant does not alter protein structure/function; Has not been previously published as pathogenic or benign to our knowledge.

NM_005045.4(RELN):c.8124T>A (p.Asn2708Lys)

Genes: RELN (reelin; minus strand), SLC26A5-AS1 (SLC26A5 antisense RNA 1; plus strand). Cytogenetic location: 7q22.1.
Variant type: single nucleotide variant.
Coding change: c.8124T>A on transcript NM_005045.4 (MANE Select); coding-DNA position 8124, T replaced by A.
Protein change: p.Asn2708Lys; replaces asparagine 2708 with lysine.
Molecular consequence: missense variant.
Genome position (GRCh38, 1-based): chr7:103,511,001, A>T on the plus strand (T>A on the coding strand, the complement: RELN is on the minus strand). VCF-style: chr7-103511001-A-T. GRCh37 (hg19) VCF-style: chr7-103151448-A-T.
Other names: c.8124T>A, p.Asn2708Lys (NM_173054.3); short protein forms N2708K.
Identifiers: ClinVar variation 5018258 (VCV005018258.1).